The following is an entry in ClinVar:

ClinVar aggregate classification (germline): Likely benign. Review status: criteria provided, multiple submitters, no conflicts (2 of 4 stars). 2 submissions from 2 submitters: Likely benign (2). Last evaluated 2021-06-23.

Allele frequency attached by ClinVar (database versions not stated): gnomAD exomes 0.00125; TOPMed 0.01380; 1000 Genomes Project 0.01418; 1000 Genomes Project 30x 0.01562.
gnomAD v4.1: 3,462 of 1,414,680 alleles (0.24%); highest among the groups gnomAD compares: African/African-American, 3.9%; 68 homozygotes.

Submissions (2):

GeneDx
Classification: Likely benign. Last evaluated: 2021-06-23. Review status: criteria provided, single submitter. Criteria: GeneDx Variant Classification Process June 2021. Collection method: clinical testing. Allele origin: germline. Affected: yes.
Comment: See Variant Classification Assertion Criteria.

Breakthrough Genomics
Classification: Likely benign. Review status: criteria provided, single submitter. Criteria: ACMG Guidelines, 2015. Collection method: not provided. Allele origin: germline. Inheritance: Autosomal recessive inheritance. Affected: yes.

NM_001080477.4(TENM3):c.7345-106G>T

Gene: TENM3 (teneurin transmembrane protein 3; plus strand). Cytogenetic location: 4q35.1.
Variant type: single nucleotide variant.
Coding change: c.7345-106G>T on transcript NM_001080477.4 (MANE Select); 106 bases into the intron before coding-DNA position 7345, G replaced by T.
Molecular consequence: intron variant.
Genome position (GRCh38, 1-based): chr4:182,799,490, G>T. VCF-style: chr4-182799490-G-T. GRCh37 (hg19) VCF-style: chr4-183720643-G-T.
Identifiers: ClinVar variation 1686679 (VCV001686679.3), dbSNP rs114380915, ClinGen allele CA111783593.